The following is an entry in ClinVar:

ClinVar aggregate classification (germline): Uncertain significance (1 of 4 stars; one submission).

Conditions:
Dilated cardiomyopathy 1KK (CMD1KK). Identifiers: Orphanet 154, Orphanet 75249, MedGen C3714995, MONDO:0014100, OMIM 615248.

Submission:

Labcorp Genetics (formerly Invitae), Labcorp
Classification: Uncertain significance for Dilated cardiomyopathy 1KK. Last evaluated: 2017-11-30. Review status: criteria provided, single submitter. Criteria: Invitae Variant Classification Sherloc (09022015). Collection method: clinical testing. Allele origin: germline.
Comment: This sequence change replaces isoleucine with threonine at codon 840 of the MYPN protein (p.Ile840Thr). The isoleucine residue is weakly conserved and there is a moderate physicochemical difference between isoleucine and threonine. This variant is not present in population databases (ExAC no frequency). This variant has not been reported in the literature in individuals with MYPN-related disease. Algorithms developed to predict the effect of missense changes on protein structure and function output the following: SIFT: "Tolerated"; PolyPhen-2: "Benign"; Align-GVGD: "Class C0". The threonine amino acid residue is found in multiple mammalian species, suggesting that this missense change does not adversely affect protein function. These predictions have not been confirmed by published functional studies and their clinical significance is uncertain. In summary, the available evidence is currently insufficient to determine the role of this variant in disease. Therefore, it has been classified as a Variant of Uncertain Significance.

NM_032578.4(MYPN):c.2519T>C (p.Ile840Thr)

Gene: MYPN (myopalladin; plus strand). Cytogenetic location: 10q21.3.
Variant type: single nucleotide variant.
Coding change: c.2519T>C on transcript NM_032578.4 (MANE Select); coding-DNA position 2519, T replaced by C.
Protein change: p.Ile840Thr; replaces isoleucine 840 with threonine.
Molecular consequence: missense variant. On other transcripts: non-coding transcript variant (2).
Genome position (GRCh38, 1-based): chr10:68,174,611, T>C. VCF-style: chr10-68174611-T-C. GRCh37 (hg19) VCF-style: chr10-69934368-T-C.
Other names: c.2519T>C, p.Ile840Thr (NM_001256267.2); c.1637T>C, p.Ile546Thr (NM_001256268.2); short protein forms I840T, I546T.
Identifiers: ClinVar variation 544035 (VCV000544035.8), dbSNP rs1554846944, ClinGen allele CA376848058.
Genomic context (GRCh38, chr10:68,174,611, plus strand): 5'-CCAGCCGGATTCAGAACCCAGTGGCTTTCCTCAGCTCTGTTCTGCCTTCTCTCCCTGCCA[T>C]CCCACCCACAAATGCCATGGGGCTGCCTAGAAGTGCACCATCCATGTAAGTGTCATTGAG-3'
Protein context (NP_115967.2, residues 830-850): LSSVLPSLPA[Ile840Thr]PPTNAMGLPR